The following is an entry in ClinVar:

ClinVar aggregate classification (germline): Pathogenic (1 of 4 stars; one submission).

Submission:

Labcorp Genetics (formerly Invitae), Labcorp
Classification: Pathogenic. Last evaluated: 2024-07-04. Review status: criteria provided, single submitter. Criteria: Invitae Variant Classification Sherloc (09022015). Collection method: clinical testing. Allele origin: germline.
Comment: This sequence change replaces arginine, which is basic and polar, with leucine, which is neutral and non-polar, at codon 25 of the BEST1 protein (p.Arg25Leu). This variant is not present in population databases (gnomAD no frequency). This missense change has been observed in individuals with autosomal dominant Best vitelliform macular dystrophy (PMID: 32239196). Advanced modeling of protein sequence and biophysical properties (such as structural, functional, and spatial information, amino acid conservation, physicochemical variation, residue mobility, and thermodynamic stability) performed at Invitae indicates that this missense variant is expected to disrupt BEST1 protein function with a positive predictive value of 95%. This variant disrupts the p.Arg25 amino acid residue in BEST1. Other variant(s) that disrupt this residue have been determined to be pathogenic (PMID: 9700209, 23290749, 31570112, 31814694). This suggests that this residue is clinically significant, and that variants that disrupt this residue are likely to be disease-causing. For these reasons, this variant has been classified as Pathogenic.

Literature cited by the submitters: PubMed 32239196; PubMed 9700209; PubMed 23290749; PubMed 31570112; PubMed 31814694.

NM_004183.4(BEST1):c.74G>T (p.Arg25Leu)

Gene: BEST1 (bestrophin 1; plus strand). Cytogenetic location: 11q12.3.
Variant type: single nucleotide variant.
Coding change: c.74G>T on transcript NM_004183.4 (MANE Select); coding-DNA position 74, G replaced by T.
Protein change: p.Arg25Leu; replaces arginine 25 with leucine.
Molecular consequence: missense variant. On other transcripts: non-coding transcript variant (1), intron variant (6).
Genome position (GRCh38, 1-based): chr11:61,951,880, G>T. VCF-style: chr11-61951880-G-T. GRCh37 (hg19) VCF-style: chr11-61719352-G-T.
Other names: c.74G>T, p.Arg25Leu (NM_001363592.2, NM_001440571.1, NM_001440572.1 and 1 more transcripts); c.-29+1453G>T (NM_001139443.3, NM_001300787.2, NM_001440574.1 and 3 more transcripts); short protein forms R25L.
Identifiers: ClinVar variation 3613679 (VCV003613679.2).
Genomic context (GRCh38, chr11:61,951,880, plus strand): 5'-ACACAAGCCAAGTGGCTAATGCCCGCTTAGGCTCCTTCTCCCGCCTGCTGCTGTGCTGGC[G>T]GGGCAGCATCTACAAGCTGCTATATGGCGAGTTCTTAATCTTCCTGCTCTGCTACTACAT-3'
Protein context (NP_004174.1, residues 15-35): GSFSRLLLCW[Arg25Leu]GSIYKLLYGE